The following is an entry in ClinVar:

ClinVar aggregate classification (germline): Pathogenic. Review status: reviewed by expert panel (3 of 4 stars). 10 submissions from 10 submitters: Pathogenic (1). 9 of the submissions do not count toward it. Last evaluated 2016-09-08.

Conditions:
Hereditary cancer-predisposing syndrome. Also called: Neoplastic Syndromes, Hereditary; Tumor predisposition; Hereditary neoplastic syndrome; Hereditary Cancer Syndrome. Identifiers: Orphanet 140162, MedGen C0027672, MeSH D009386, MONDO:0015356.
Hereditary breast ovarian cancer syndrome. Also called: Hereditary breast and ovarian cancer syndrome; Hereditary breast and ovarian cancer; Hereditary breast and ovarian cancer syndrome (HBOC); Breast and ovarian cancer; Hereditary breast and/or ovarian cancer syndrome; BRCA1- and BRCA2-Associated Hereditary Breast and Ovarian Cancer. Identifiers: Orphanet 145, MedGen C0677776, MeSH D061325, MONDO:0003582. Disease mechanism: loss of function.
Breast-ovarian cancer, familial, susceptibility to, 2 (BROVCA2). Also called: BRCA2 Hereditary Breast and Ovarian Cancer. Identifiers: Orphanet 145, MedGen C2675520, MONDO:0012933, OMIM 612555. Disease mechanism: loss of function.

Submissions (10):

Evidence-based Network for the Interpretation of Germline Mutant Alleles (ENIGMA)
Classification: Pathogenic for Breast-ovarian cancer, familial, susceptibility to, 2. Last evaluated: 2016-09-08. Review status: reviewed by expert panel. Criteria: ENIGMA BRCA1/2 Classification Criteria (2015). Collection method: curation. Allele origin: germline.
Comment: Variant allele predicted to encode a truncated non-functional protein.

Labcorp Genetics (formerly Invitae), Labcorp
Classification: Pathogenic for Hereditary breast ovarian cancer syndrome. Last evaluated: 2026-01-02. Review status: criteria provided, single submitter. Criteria: Invitae Variant Classification Sherloc (09022015). Collection method: clinical testing. Allele origin: germline. Not counted in ClinVar's aggregate classification.
Comment: This sequence change creates a premature translational stop signal (p.Ser2835*) in the BRCA2 gene. It is expected to result in an absent or disrupted protein product. Loss-of-function variants in BRCA2 are known to be pathogenic (PMID: 20104584). This variant is not present in population databases (gnomAD no frequency). This premature translational stop signal has been observed in individual(s) with breast cancer and Fanconi anemia (PMID: 12065746, 28724667, 29752822, 30287823). This variant is also known as 8732C>A. ClinVar contains an entry for this variant (Variation ID: 52607). For these reasons, this variant has been classified as Pathogenic.

Laboratory of Genetics, Children's Clinical University Hospital Latvia
Classification: Pathogenic. Last evaluated: 2025-02-16. Review status: criteria provided, single submitter. Criteria: ACMG Guidelines, 2015. Collection method: clinical testing. Allele origin: germline. Affected: yes. Not counted in ClinVar's aggregate classification.

Ambry Genetics
Classification: Pathogenic for Hereditary cancer-predisposing syndrome. Last evaluated: 2021-06-21. Review status: criteria provided, single submitter. Criteria: Ambry Variant Classification Scheme 2023. Collection method: clinical testing. Allele origin: germline. Not counted in ClinVar's aggregate classification.
Comment: The p.S2835* pathogenic mutation (also known as c.8504C>A), located in coding exon 19 of the BRCA2 gene, results from a C to A substitution at nucleotide position 8504. This changes the amino acid from a serine to a stop codon within coding exon 19. This mutation has been reported in multiple Asian individuals with personal and family histories of breast and/or ovarian cancer (Ikeda N et al. Int J Cancer, 2001 Jan;91:83-8; Sakayori M et al. J. Hum. Genet. 2003;48(3):130-7; Sugano K et al. Cancer Sci. 2008 Oct;99(10):1967-76; Sun J et al. Clin Cancer Res, 2017 Oct;23:6113-6119; Arai M et al. J Hum Genet, 2018 Apr;63:447-457; Momozawa Y et al. Nat Commun, 2018 10;9:4083; Rebbeck TR et al. Hum Mutat, 2018 05;39:593-620; Li JY et al. Int J Cancer, 2019 01;144:281-289; Liu Y et al. Mol Genet Genomic Med, 2019 03;7:e493). This mutation has also been reported with a carrier frequency of 0.00013 in 7,636 unselected prostate cancer patients and 0.00000 in 12,366 male controls of Japanese ancestry (Momozawa Y et al. J Natl Cancer Inst, 2020 04;112:369-376). Of note, this alteration is also designated as 8732C>A in published literature. In addition to the clinical data presented in the literature, this alteration is expected to result in loss of function by premature protein truncation or nonsense-mediated mRNA decay. As such, this alteration is interpreted as a disease-causing mutation.

Color Diagnostics, LLC DBA Color Health
Classification: Pathogenic for Hereditary cancer-predisposing syndrome. Last evaluated: 2020-02-27. Review status: criteria provided, single submitter. Criteria: ACMG Guidelines, 2015. Collection method: clinical testing. Allele origin: germline. Not counted in ClinVar's aggregate classification.
Comment: This variant changes 1 nucleotide in exon 20 of the BRCA2 gene, creating a premature translation stop signal. This variant is expected to result in an absent or non-functional protein product. A cell line from a compound heterozygous BRCA2 carrier with this variant tested positive for chromosomal breakage after mitomycin-C treatment and reduced mRNA transcript levels (PMID: 24395671, 30792206). This variant has been reported in at least four Japanese suspected hereditary breast cancer families (PMID: 11149425, 19016756). Haplotype analysis indicates the lack of a common haplotype among the examined carriers (PMID: 11149425). This variant also has been reported in a compound heterozygous BRCA2 mutation carrier affected with Fanconi anemia and leukemia (PMID: 12750298, 24395671). This variant has not been identified in the general population by the Genome Aggregation Database (gnomAD). Loss of BRCA2 function is a known mechanism of disease. Based on the available evidence, this variant is classified as Pathogenic.

Quest Diagnostics Nichols Institute San Juan Capistrano
Classification: Pathogenic. Last evaluated: 2019-08-06. Review status: criteria provided, single submitter. Criteria: Quest Diagnostics criteria. Collection method: clinical testing. Allele origin: germline. Not counted in ClinVar's aggregate classification.
Comment: The variant creates a premature nonsense codon, and is therefore predicted to result in the loss of a functional protein. Found in at least one symptomatic patient, and not found in general population data.

Women's Health and Genetics/Laboratory Corporation of America, LabCorp
Classification: Pathogenic for Hereditary breast and ovarian cancer syndrome. Last evaluated: 2018-06-04. Review status: criteria provided, single submitter. Criteria: LabCorp Variant Classification Summary - May 2015. Collection method: clinical testing. Allele origin: germline. Not counted in ClinVar's aggregate classification.
Comment: Variant summary: BRCA2 c.8504C>A (p.Ser2835X) results in a premature termination codon, predicted to cause a truncation of the encoded protein or absence of the protein due to nonsense mediated decay, which are commonly known mechanisms for disease. The variant was absent in 276878 control chromosomes (gnomAD). The variant, c.8504C>A, has been reported in the literature in multiple individuals affected with Hereditary Breast and Ovarian Cancer, predominantly in Japanese individuals (Ikeda_2001, Inoue_1997). These data indicate that the variant is very likely to be associated with disease. To our knowledge, no experimental evidence demonstrating an impact on protein function has been reported. Four ClinVar submissions from clinical diagnostic laboratories (evaluation after 2014) cites the variant as "pathogenic." Based on the evidence outlined above, the variant was classified as pathogenic.

Consortium of Investigators of Modifiers of BRCA1/2 (CIMBA), c/o University of Cambridge
Classification: Pathogenic for Breast-ovarian cancer, familial, susceptibility to, 2. Last evaluated: 2015-10-02. Review status: criteria provided, single submitter. Criteria: CIMBA Mutation Classification guidelines May 2016. Collection method: clinical testing. Allele origin: germline. Not counted in ClinVar's aggregate classification.

Counsyl
Classification: Pathogenic for Breast-ovarian cancer, familial, susceptibility to, 2. Last evaluated: 2017-07-05. Review status: no assertion criteria provided. Collection method: clinical testing. Allele origin: unknown. Not counted in ClinVar's aggregate classification.

Breast Cancer Information Core (BIC) (BRCA2)
Classification: Pathogenic for Breast-ovarian cancer, familial 2. Last evaluated: 2003-12-23. Review status: no assertion criteria provided. Collection method: clinical testing. Allele origin: germline. Affected: yes. Observed: 1 variant allele. Not counted in ClinVar's aggregate classification.

Literature cited by the submitters: PubMed 20104584 (cited by Labcorp Genetics (formerly Invitae), Labcorp); PubMed 12065746 (cited by Labcorp Genetics (formerly Invitae), Labcorp and Ambry Genetics); PubMed 28724667 (cited by 3 submitters); PubMed 29752822 (cited by 3 submitters); PubMed 30287823 (cited by 3 submitters); PubMed 11149425 (cited by 3 submitters); PubMed 12624724 (cited by Ambry Genetics and Counsyl); PubMed 12750298 (cited by Ambry Genetics); PubMed 19016756 (cited by Ambry Genetics); PubMed 29176636 (cited by Ambry Genetics); PubMed 29446198 (cited by Ambry Genetics and Quest Diagnostics Nichols Institute San Juan Capistrano); PubMed 30652428 (cited by Ambry Genetics and Quest Diagnostics Nichols Institute San Juan Capistrano); PubMed 31214711 (cited by Ambry Genetics); PubMed 9133456 (cited by Women's Health and Genetics/Laboratory Corporation of America, LabCorp).

NM_000059.4(BRCA2):c.8504C>A (p.Ser2835Ter)

Gene: BRCA2 (BRCA2 DNA repair associated; plus strand). Cytogenetic location: 13q13.1.
Variant type: single nucleotide variant.
Coding change: c.8504C>A on transcript NM_000059.4 (MANE Select); coding-DNA position 8504, C replaced by A.
Protein change: p.Ser2835Ter; replaces serine 2835 with a stop codon.
Molecular consequence: nonsense.
Genome position (GRCh38, 1-based): chr13:32,370,972, C>A. VCF-style: chr13-32370972-C-A. GRCh37 (hg19) VCF-style: chr13-32945109-C-A.
Other names: short protein forms S2835*.
Identifiers: ClinVar variation 52607 (VCV000052607.24), dbSNP rs80359102, ClinGen allele CA025685.